The following is an entry in ClinVar:

NM_003835.4(RGS9):c.1397A>G (p.Asp466Gly)

Gene: RGS9 (regulator of G protein signaling 9; plus strand). Cytogenetic location: 17q24.1.
Variant type: single nucleotide variant.
Coding change: c.1397A>G on transcript NM_003835.4 (MANE Select); coding-DNA position 1397, A replaced by G.
Protein change: p.Asp466Gly; replaces aspartic acid 466 with glycine.
Molecular consequence: missense variant.
Genome position (GRCh38, 1-based): chr17:65,210,595, A>G. VCF-style: chr17-65210595-A-G. GRCh37 (hg19) VCF-style: chr17-63206713-A-G.
Other names: c.1388A>G, p.Asp463Gly (NM_001081955.3, NM_001165933.2); short protein forms D463G, D466G.
Identifiers: ClinVar variation 2057427 (VCV002057427.1), dbSNP rs760192055, ClinGen allele CA8718023.
Genomic context (GRCh38, chr17:65,210,595, plus strand): 5'-CTGTCATCCTGAGACAGCTGGAAGAGGAAGCCAAGGCCCGAGAAGCAGCCAACACTGTGG[A>G]CATCACCCAGGTCATGAGCAAGCTGGACCGCAGGAGCCAACTCCAAAAAGAGCTGCCTCC-3'
Protein context (NP_003826.2, residues 456-476): AKAREAANTV[Asp466Gly]ITQPGQHMAP

ClinVar aggregate classification (germline): Uncertain significance (1 of 4 stars; one submission).

Allele frequency attached by ClinVar (database versions not stated): gnomAD 0.00001; TOPMed 0.00001.
gnomAD v4.1: 18 of 1,613,872 alleles (0.0011%); highest among the groups gnomAD compares: African/African-American, 0.0027%; no homozygotes.

Submission:

Labcorp Genetics (formerly Invitae), Labcorp
Classification: Uncertain significance. Last evaluated: 2022-08-12. Review status: criteria provided, single submitter. Criteria: Invitae Variant Classification Sherloc (09022015). Collection method: clinical testing. Allele origin: germline.
Comment: This sequence change replaces aspartic acid, which is acidic and polar, with glycine, which is neutral and non-polar, at codon 466 of the RGS9 protein (p.Asp466Gly). This variant is present in population databases (rs760192055, gnomAD 0.003%). This variant has not been reported in the literature in individuals affected with RGS9-related conditions. Algorithms developed to predict the effect of missense changes on protein structure and function (SIFT, PolyPhen-2, Align-GVGD) all suggest that this variant is likely to be disruptive. Algorithms developed to predict the effect of sequence changes on RNA splicing suggest that this variant may disrupt the consensus splice site. In summary, the available evidence is currently insufficient to determine the role of this variant in disease. Therefore, it has been classified as a Variant of Uncertain Significance.